The following is an entry in ClinVar:

ClinVar aggregate classification (germline): Uncertain significance (1 of 4 stars; one submission).

Conditions:
Primary ciliary dyskinesia. Also called: Ciliary dyskinesia. Identifiers: Orphanet 244, MedGen C0008780, MONDO:0016575, HP:0012265.

gnomAD v4.1: 1 of 1,614,130 alleles (0.000062%); no homozygotes.

Submission:

Labcorp Genetics (formerly Invitae), Labcorp
Classification: Uncertain significance for Primary ciliary dyskinesia. Last evaluated: 2025-08-16. Review status: criteria provided, single submitter. Criteria: Invitae Variant Classification Sherloc (09022015). Collection method: clinical testing. Allele origin: germline.
Comment: This sequence change replaces cysteine, which is neutral and slightly polar, with serine, which is neutral and polar, at codon 2365 of the DNAH8 protein (p.Cys2365Ser). This variant is present in population databases (no rsID available, gnomAD 0.01%). This variant has not been reported in the literature in individuals affected with DNAH8-related conditions. Invitae Evidence Modeling of protein sequence and biophysical properties (such as structural, functional, and spatial information, amino acid conservation, physicochemical variation, residue mobility, and thermodynamic stability) indicates that this missense variant is not expected to disrupt DNAH8 protein function with a negative predictive value of 80%. In summary, the available evidence is currently insufficient to determine the role of this variant in disease. Therefore, it has been classified as a Variant of Uncertain Significance.

NM_001206927.2(DNAH8):c.7093T>A (p.Cys2365Ser)

Gene: DNAH8 (dynein axonemal heavy chain 8; plus strand). Cytogenetic location: 6p21.2.
Variant type: single nucleotide variant.
Coding change: c.7093T>A on transcript NM_001206927.2 (MANE Select); coding-DNA position 7093, T replaced by A.
Protein change: p.Cys2365Ser; replaces cysteine 2365 with serine.
Molecular consequence: missense variant.
Genome position (GRCh38, 1-based): chr6:38,872,638, T>A. VCF-style: chr6-38872638-T-A. GRCh37 (hg19) VCF-style: chr6-38840414-T-A.
Other names: c.6442T>A, p.Cys2148Ser (NM_001371.4); short protein forms C2365S, C2148S.
Identifiers: ClinVar variation 4752194 (VCV004752194.1).